The following is an entry in ClinVar:

ClinVar aggregate classification (germline): Likely pathogenic (1 of 4 stars; one submission).

Conditions:
Cornelia de Lange syndrome 5 (CDLS5). Also called: HDAC8-Related Cornelia de Lange Syndrome. Identifiers: Orphanet 199, MedGen C3550903, MONDO:0010471, OMIM 300882.

Submission:

OLLIN Analises Genomicas, OLLIN
Classification: Likely pathogenic for Cornelia de Lange syndrome 5. Last evaluated: 2025-05-21. Review status: criteria provided, single submitter. Criteria: ACMG Guidelines 2015 PMID 25741868. Collection method: clinical testing. Allele origin: germline. Affected: yes. Observed: 1 variant allele.
Comment: The nonsense variant (chrX:72567951G>T), located in exon 4 (of 11), is not reported in the gnomAD v4.1 non-UKB or ClinVar databases, nor has it been found in the scientific literature. This variant introduces a premature stop codon, resulting in a truncated protein or mRNA degradation via nonsense-mediated decay (NMD). Based on currently available evidence, this variant has been classified as likely pathogenic (PVS1, PM2_P).

NM_018486.3(HDAC8):c.375C>A (p.Cys125Ter)

Gene: HDAC8 (histone deacetylase 8; minus strand). Cytogenetic location: Xq13.1.
Variant type: single nucleotide variant.
Coding change: c.375C>A on transcript NM_018486.3 (MANE Select); coding-DNA position 375, C replaced by A.
Protein change: p.Cys125Ter; replaces cysteine 125 with a stop codon.
Molecular consequence: nonsense. On other transcripts: non-coding transcript variant (4), intron variant (3).
Genome position (GRCh38, 1-based): chrX:72,567,951, G>T on the plus strand (C>A on the coding strand, the complement: HDAC8 is on the minus strand). VCF-style: chrX-72567951-G-T. GRCh37 (hg19) VCF-style: chrX-71787801-G-T.
Other names: c.375C>A, p.Cys125Ter (NM_001166419.2, NM_001166420.2, NM_001166422.2 and 5 more transcripts); c.164+4106C>A (NM_001166418.2, NM_001410728.1, NM_001166448.2); short protein forms C125*.
Identifiers: ClinVar variation 4814136 (VCV004814136.1).